The following is an entry in ClinVar:

NM_000101.4(CYBA):c.74G>A (p.Gly25Asp)

Gene: CYBA (cytochrome b-245 alpha chain; minus strand). Cytogenetic location: 16q24.2.
Variant type: single nucleotide variant.
Coding change: c.74G>A on transcript NM_000101.4 (MANE Select); coding-DNA position 74, G replaced by A.
Protein change: p.Gly25Asp; replaces glycine 25 with aspartic acid.
Molecular consequence: missense variant.
Genome position (GRCh38, 1-based): chr16:88,648,099, C>T on the plus strand (G>A on the coding strand, the complement: CYBA is on the minus strand). VCF-style: chr16-88648099-C-T. GRCh37 (hg19) VCF-style: chr16-88714507-C-T.
Other names: c.74G>A (NM_000101.2); short protein forms G25D.
Identifiers: ClinVar variation 1698588 (VCV001698588.8), dbSNP rs179363891, ClinGen allele CA397066002.
Genomic context (GRCh38, chr16:88,648,099, plus strand): 5'-GGATACATGGAGTAGGCACCAAAGTACCACTGGGTGAAGCGCCCAGCTGTGGCCACGATG[C>T]CCCCGGTGATGAGGACTGCGGGGAGAAGTGGGTCAGGCACTGTGGGGCTCCCGTCCCGGG-3'
Protein context (NP_000092.2, residues 15-35): LASGLILITG[Gly25Asp]IVATAGRFTQ

ClinVar aggregate classification (germline): Uncertain significance. Review status: criteria provided, multiple submitters, no conflicts (2 of 4 stars). 4 submissions from 4 submitters: Uncertain significance (4). Last evaluated 2026-06-18.

Conditions:
Granulomatous disease, chronic, autosomal recessive, cytochrome b-negative. Also called: GRANULOMATOUS DISEASE, CHRONIC, AUTOSOMAL RECESSIVE, 4; CGD DUE TO DEFICIENCY OF THE ALPHA SUBUNIT OF CYTOCHROME b; CGD, AUTOSOMAL RECESSIVE CYTOCHROME b-NEGATIVE; CYBA DEFICIENCY; Chronic granulomatous disease, autosomal, due to deficiency of CYBA. Identifiers: Orphanet 379, MedGen C1856255, MONDO:0009308, OMIM 233690.

Allele frequency attached by ClinVar (database versions not stated): TOPMed 0.00001.
gnomAD v4.1: 4 of 1,612,134 alleles (0.00025%); highest among the groups gnomAD compares: Non-Finnish European, 0.00034%; no homozygotes.

Submissions (4):

Myriad Genetics, Inc.
Classification: Uncertain significance for Granulomatous disease, chronic, autosomal recessive, cytochrome b-negative. Last evaluated: 2026-06-18. Review status: criteria provided, single submitter. Criteria: Myriad Autosomal Dominant, Autosomal Recessive and X-Linked Classification Criteria (2023). Collection method: clinical testing. Allele origin: unknown.
Comment: NM_000101.3(CYBA):c.74G>A(G25D) is a missense variant classified as a variant of uncertain significance in the context of chronic granulomatous disease, CYBA-related. G25D has been observed in a case with relevant disease (PMID: 33629196). Relevant functional assessments of this variant are not available in the literature. G25D has not been observed in referenced population frequency databases. In summary, there is insufficient evidence to classify NM_000101.3(CYBA):c.74G>A(G25D) as pathogenic or benign. Please note: this variant was assessed in the context of healthy population screening.

Women's Health and Genetics/Laboratory Corporation of America, LabCorp
Classification: Uncertain significance. Last evaluated: 2025-04-15. Review status: criteria provided, single submitter. Criteria: LabCorp Variant Classification Summary - May 2015. Collection method: clinical testing. Allele origin: germline.
Comment: Variant summary: CYBA c.74G>A (p.Gly25Asp) results in a non-conservative amino acid change in the encoded protein sequence. Five of five in-silico tools predict a damaging effect of the variant on protein function. The frequency data for this variant in gnomAD is considered unreliable, as metrics indicate poor data quality at this position. c.74G>A has been reported in the literature as a homozygous genotype in at-least one individual affected with Chronic Granulomatous Disease (example, Koker_2013 cited in Roos_2021, Akar_2021). These data indicate that the variant may be associated with disease. To our knowledge, no experimental evidence demonstrating an impact on protein function has been reported. The following publications have been ascertained in the context of this evaluation (PMID: 33629196, 23910690, 36241643, 34547651). ClinVar contains an entry for this variant (Variation ID: 1698588). Based on the evidence outlined above, the variant was classified as VUS-possibly pathogenic.

GeneDx
Classification: Uncertain significance. Last evaluated: 2025-01-08. Review status: criteria provided, single submitter. Criteria: GeneDx Variant Classification Process June 2021. Collection method: clinical testing. Allele origin: germline. Affected: yes.
Comment: Identified in a patient with chronic granulomatous disease in published literature (PMID: 23910690) but additional evidence is not available; Not observed at significant frequency in large population cohorts (gnomAD); In silico analysis supports that this missense variant has a deleterious effect on protein structure/function; This variant is associated with the following publications: (PMID: 27048830, 33629196, 34547651, 23910690)

Labcorp Genetics (formerly Invitae), Labcorp
Classification: Uncertain significance for Granulomatous disease, chronic, autosomal recessive, cytochrome b-negative. Last evaluated: 2024-12-30. Review status: criteria provided, single submitter. Criteria: Invitae Variant Classification Sherloc (09022015). Collection method: clinical testing. Allele origin: germline.
Comment: This sequence change replaces glycine, which is neutral and non-polar, with aspartic acid, which is acidic and polar, at codon 25 of the CYBA protein (p.Gly25Asp). This variant is not present in population databases (gnomAD no frequency). This missense change has been observed in individual(s) with chronic granulomatous disease (PMID: 23910690). ClinVar contains an entry for this variant (Variation ID: 1698588). An algorithm developed to predict the effect of missense changes on protein structure and function (PolyPhen-2) suggests that this variant is likely to be disruptive. In summary, the available evidence is currently insufficient to determine the role of this variant in disease. Therefore, it has been classified as a Variant of Uncertain Significance.

Literature cited by the submitters: PubMed 33629196 (cited by Myriad Genetics, Inc. and Women's Health and Genetics/Laboratory Corporation of America, LabCorp); PubMed 23910690 (cited by Women's Health and Genetics/Laboratory Corporation of America, LabCorp and Labcorp Genetics (formerly Invitae), Labcorp); PubMed 34547651 (cited by Women's Health and Genetics/Laboratory Corporation of America, LabCorp); PubMed 36241643 (cited by Women's Health and Genetics/Laboratory Corporation of America, LabCorp).